The following is an entry in ClinVar:

NM_000015.3(NAT2):c.481C>T (p.Leu161=)

Gene: NAT2 (N-acetyltransferase 2; plus strand). Cytogenetic location: 8p22.
Variant type: single nucleotide variant.
Coding change: c.481C>T on transcript NM_000015.3 (MANE Select); coding-DNA position 481, C replaced by T.
Protein change: p.Leu161=; no amino-acid change (leucine 161 retained).
Molecular consequence: synonymous variant.
Genome position (GRCh38, 1-based): chr8:18,400,484, C>T. VCF-style: chr8-18400484-C-T. GRCh37 (hg19) VCF-style: chr8-18257994-C-T.
Identifiers: ClinVar variation 3060382 (VCV003060382.2), dbSNP rs1799929, ClinGen allele CA4651631.

ClinVar aggregate classification (germline): Benign (0 of 4 stars; one submission).

Conditions:
NAT2-related disorder. Also called: NAT2-related condition.

Allele frequency attached by ClinVar (database versions not stated): 1000 Genomes Project 0.26797; 1000 Genomes Project 30x 0.27311; TOPMed 0.34588; gnomAD 0.35744; ExAC 0.36403; ESP Exome Variant Server 0.37098; gnomAD exomes 0.40869.
gnomAD v4.1: 650,299 of 1,612,718 alleles (40%); highest among the groups gnomAD compares: Non-Finnish European, 44%; 136,934 homozygotes.

Submission:

PreventionGenetics, part of Exact Sciences
Classification: Benign for NAT2-related condition. Last evaluated: 2023-12-29. Review status: no assertion criteria provided. Collection method: clinical testing. Allele origin: germline.
Comment: This variant is classified as benign based on ACMG/AMP sequence variant interpretation guidelines (Richards et al. 2015 PMID: 25741868, with internal and published modifications).